The following is an entry in ClinVar:

NM_033305.3(VPS13A):c.6633dup (p.His2212fs)

Gene: VPS13A (vacuolar protein sorting 13 homolog A; plus strand). Cytogenetic location: 9q21.2.
Variant type: Duplication.
Coding change: c.6633dup on transcript NM_033305.3 (MANE Select); coding-DNA position 6633, one base duplicated (T; older notation c.6633dupT).
Protein change: p.His2212fs; shifts the reading frame from histidine 2212.
Molecular consequence: frameshift variant.
Genome position (GRCh38, 1-based): chr9:77,339,770, T duplicated; the last of 3 consecutive T bases (chr9:77,339,768-77,339,770); duplicating any one gives the same sequence. VCF-style (leftmost placement, unchanged base first): chr9-77339767-A-AT. GRCh37 (hg19) VCF-style: chr9-79954683-A-AT.
Other names: c.6516dup, p.His2173fs (NM_001018037.2); c.6633dup, p.His2212fs (NM_001018038.3, NM_015186.4); short protein forms H2173fs, H2212fs.
Identifiers: ClinVar variation 1452441 (VCV001452441.6), dbSNP rs2131505712, ClinGen allele CA2573144775.

ClinVar aggregate classification (germline): Pathogenic (1 of 4 stars; one submission).

Submission:

Labcorp Genetics (formerly Invitae), Labcorp
Classification: Pathogenic. Last evaluated: 2021-10-12. Review status: criteria provided, single submitter. Criteria: Invitae Variant Classification Sherloc (09022015). Collection method: clinical testing. Allele origin: germline.
Comment: For these reasons, this variant has been classified as Pathogenic. This variant has not been reported in the literature in individuals affected with VPS13A-related conditions. This variant is not present in population databases (ExAC no frequency). This sequence change creates a premature translational stop signal (p.His2212Serfs*2) in the VPS13A gene. It is expected to result in an absent or disrupted protein product. Loss-of-function variants in VPS13A are known to be pathogenic (PMID: 12404112, 21598378).

Literature cited by the submitters: PubMed 12404112; PubMed 21598378.